The following is an entry in ClinVar:

NM_203447.4(DOCK8):c.1504A>G (p.Lys502Glu)

Gene: DOCK8 (dedicator of cytokinesis 8; plus strand). Cytogenetic location: 9p24.3.
Variant type: single nucleotide variant.
Coding change: c.1504A>G on transcript NM_203447.4 (MANE Select); coding-DNA position 1504, A replaced by G.
Protein change: p.Lys502Glu; replaces lysine 502 with glutamic acid.
Molecular consequence: missense variant.
Genome position (GRCh38, 1-based): chr9:339,087, A>G. VCF-style: chr9-339087-A-G. GRCh37 (hg19) VCF-style: chr9-339087-A-G.
Other names: c.1300A>G, p.Lys434Glu (NM_001190458.2, NM_001193536.2); short protein forms K434E, K502E.
Identifiers: ClinVar variation 2043666 (VCV002043666.4), dbSNP rs2538013408, ClinGen allele CA372754948.

ClinVar aggregate classification (germline): Uncertain significance (1 of 4 stars; one submission).

Conditions:
Combined immunodeficiency due to DOCK8 deficiency (HIES2). Also called: HIES autosomal recessive; Hyper-IgE recurrent infection syndrome, autosomal recessive; HYPER-IgE SYNDROME 2, AUTOSOMAL RECESSIVE, WITH RECURRENT INFECTIONS; HYPER-IgE RECURRENT INFECTION SYNDROME 2, AUTOSOMAL RECESSIVE; DOCK8 Deficiency. Identifiers: Orphanet 217390, MedGen C4722305, MONDO:0009478, OMIM 243700.

Submission:

Labcorp Genetics (formerly Invitae), Labcorp
Classification: Uncertain significance for Combined immunodeficiency due to DOCK8 deficiency. Last evaluated: 2022-08-22. Review status: criteria provided, single submitter. Criteria: Invitae Variant Classification Sherloc (09022015). Collection method: clinical testing. Allele origin: germline.
Comment: In summary, the available evidence is currently insufficient to determine the role of this variant in disease. Therefore, it has been classified as a Variant of Uncertain Significance. Algorithms developed to predict the effect of missense changes on protein structure and function (SIFT, PolyPhen-2, Align-GVGD) all suggest that this variant is likely to be disruptive. This variant has not been reported in the literature in individuals affected with DOCK8-related conditions. This variant is not present in population databases (gnomAD no frequency). This sequence change replaces lysine, which is basic and polar, with glutamic acid, which is acidic and polar, at codon 502 of the DOCK8 protein (p.Lys502Glu).